The following is an entry in ClinVar:

NM_002227.4(JAK1):c.152G>T (p.Gly51Val)

Genes: JAK1 (Janus kinase 1; minus strand), LOC129930680 (ATAC-STARR-seq lymphoblastoid active region 1132; plus strand). Cytogenetic location: 1p31.3.
Variant type: single nucleotide variant.
Coding change: c.152G>T on transcript NM_002227.4 (MANE Select); coding-DNA position 152, G replaced by T.
Protein change: p.Gly51Val; replaces glycine 51 with valine.
Molecular consequence: missense variant.
Genome position (GRCh38, 1-based): chr1:64,883,330, C>A on the plus strand (G>T on the coding strand, the complement: JAK1 is on the minus strand). VCF-style: chr1-64883330-C-A. GRCh37 (hg19) VCF-style: chr1-65349013-C-A.
Other names: c.152G>T, p.Gly51Val (NM_001320923.2, NM_001321852.2, NM_001321853.2 and 4 more transcripts); short protein forms G51V.
Identifiers: ClinVar variation 3696001 (VCV003696001.3).

ClinVar aggregate classification (germline): Uncertain significance (1 of 4 stars; one submission).

gnomAD v4.1: 2 of 1,614,174 alleles (0.00012%); highest among the groups gnomAD compares: Admixed American, 0.0033%; no homozygotes.

Submissions (2):

Labcorp Genetics (formerly Invitae), Labcorp
Classification: Uncertain significance. Last evaluated: 2024-06-03. Review status: criteria provided, single submitter. Criteria: Invitae Variant Classification Sherloc (09022015). Collection method: clinical testing. Allele origin: germline.
Comment: This sequence change replaces glycine, which is neutral and non-polar, with valine, which is neutral and non-polar, at codon 51 of the JAK1 protein (p.Gly51Val). This variant is present in population databases (no rsID available, gnomAD 0.006%). This variant has not been reported in the literature in individuals affected with JAK1-related conditions. Advanced modeling of protein sequence and biophysical properties (such as structural, functional, and spatial information, amino acid conservation, physicochemical variation, residue mobility, and thermodynamic stability) has been performed at Invitae for this missense variant, however the output from this modeling did not meet the statistical confidence thresholds required to predict the impact of this variant on JAK1 protein function. In summary, the available evidence is currently insufficient to determine the role of this variant in disease. Therefore, it has been classified as a Variant of Uncertain Significance.

Dr. Peter K. Rogan Lab, Western University
No classification provided (evidence only). Condition: Ovarian serous cystadenocarcinoma. Review status: no classification provided. Collection method: in vitro. Allele origin: not applicable. Functional consequence: retained intron. Not counted in ClinVar's aggregate classification.